The following is an entry in ClinVar:

NM_000059.4(BRCA2):c.4042dup (p.Cys1348fs)

Gene: BRCA2 (BRCA2 DNA repair associated; plus strand). Cytogenetic location: 13q13.1.
Variant type: Duplication.
Coding change: c.4042dup on transcript NM_000059.4 (MANE Select); coding-DNA position 4042, one base duplicated (T; older notation c.4042dupT).
Protein change: p.Cys1348fs; shifts the reading frame from cysteine 1348.
Molecular consequence: frameshift variant.
Genome position (GRCh38, 1-based): chr13:32,338,397, T duplicated; the last of 3 consecutive T bases (chr13:32,338,395-32,338,397); duplicating any one gives the same sequence. VCF-style (leftmost placement, unchanged base first): chr13-32338394-G-GT. GRCh37 (hg19) VCF-style: chr13-32912531-G-GT.
Other names: c.4042dupT (NM_000059.3); short protein forms C1348fs.
Identifiers: ClinVar variation 254530 (VCV000254530.3), dbSNP rs886037800, ClinGen allele CA10586519.

ClinVar aggregate classification (germline): Pathogenic. Review status: reviewed by expert panel (3 of 4 stars). 2 submissions from 2 submitters: Pathogenic (1). 1 of the submissions does not count toward it. Last evaluated 2016-09-08.

Conditions:
Breast-ovarian cancer, familial, susceptibility to, 2 (BROVCA2). Also called: BRCA2 Hereditary Breast and Ovarian Cancer. Identifiers: Orphanet 145, MedGen C2675520, MONDO:0012933, OMIM 612555. Disease mechanism: loss of function.

Submissions (2):

Evidence-based Network for the Interpretation of Germline Mutant Alleles (ENIGMA)
Classification: Pathogenic for Breast-ovarian cancer, familial, susceptibility to, 2. Last evaluated: 2016-09-08. Review status: reviewed by expert panel. Criteria: ENIGMA BRCA1/2 Classification Criteria (2015). Collection method: curation. Allele origin: germline.
Comment: Variant allele predicted to encode a truncated non-functional protein.

Consortium of Investigators of Modifiers of BRCA1/2 (CIMBA), c/o University of Cambridge
Classification: Pathogenic for Breast-ovarian cancer, familial, susceptibility to, 2. Last evaluated: 2015-10-02. Review status: criteria provided, single submitter. Criteria: CIMBA Mutation Classification guidelines May 2016. Collection method: clinical testing. Allele origin: germline. Not counted in ClinVar's aggregate classification.